The following is an entry in ClinVar:

NM_018136.5(ASPM):c.486T>C (p.Ser162=)

Gene: ASPM (assembly factor for spindle microtubules; minus strand). Cytogenetic location: 1q31.3.
Variant type: single nucleotide variant.
Coding change: c.486T>C on transcript NM_018136.5 (MANE Select); coding-DNA position 486, T replaced by C.
Protein change: p.Ser162=; no amino-acid change (serine 162 retained).
Molecular consequence: synonymous variant.
Genome position (GRCh38, 1-based): chr1:197,143,766, A>G on the plus strand (T>C on the coding strand, the complement: ASPM is on the minus strand). VCF-style: chr1-197143766-A-G. GRCh37 (hg19) VCF-style: chr1-197112896-A-G.
Other names: c.486T>C, p.Ser162= (NM_001206846.2).
Identifiers: ClinVar variation 3234770 (VCV003234770.20), dbSNP rs2527406646, ClinGen allele CA422804713.

ClinVar aggregate classification (germline): Likely benign (1 of 4 stars; one submission).

Submission:

CeGaT Center for Human Genetics Tuebingen
Classification: Likely benign. Last evaluated: 2024-04-01. Review status: criteria provided, single submitter. Criteria: CeGaT Center For Human Genetics Tuebingen Variant Classification Criteria Version 2. Collection method: clinical testing. Allele origin: germline. Affected: yes. Observed: 1 variant allele.
Comment: ASPM: PM2:Supporting, BP4, BP7